The following is an entry in ClinVar:

NM_001429.4(EP300):c.2523C>T (p.Thr841=)

Gene: EP300 (E1A binding protein p300; plus strand). Cytogenetic location: 22q13.2.
Variant type: single nucleotide variant.
Coding change: c.2523C>T on transcript NM_001429.4 (MANE Select); coding-DNA position 2523, C replaced by T.
Protein change: p.Thr841=; no amino-acid change (threonine 841 retained).
Molecular consequence: synonymous variant.
Genome position (GRCh38, 1-based): chr22:41,149,904, C>T. VCF-style: chr22-41149904-C-T. GRCh37 (hg19) VCF-style: chr22-41545908-C-T.
Other names: c.2445C>T, p.Thr815= (NM_001362843.2).
Identifiers: ClinVar variation 3350343 (VCV003350343.1).
Genomic context (GRCh38, chr22:41,149,904, plus strand): 5'-GCTTCCTCAACCAGCTCTTCATCAGAATTCACCCTCGCCTGTACCTAGTCGTACCCCCAC[C>T]CCTCACCATACTCCCCCAAGCATAGGGGCTCAGCAGCCACCAGCAACAACAATTCCAGCC-3'
Protein context (NP_001420.2, residues 831-851): SPSPVPSRTP[Thr841=]PHHTPPSIGA

ClinVar aggregate classification (germline): Likely benign (0 of 4 stars; one submission).

Conditions:
EP300-related disorder. Also called: EP300-related condition; EP300-related disorders.

gnomAD v4.1: 6 of 1,613,842 alleles (0.00037%); highest among the groups gnomAD compares: African/African-American, 0.008%; no homozygotes.

Submission:

PreventionGenetics, part of Exact Sciences
Classification: Likely benign for EP300-related condition. Last evaluated: 2022-05-20. Review status: no assertion criteria provided. Collection method: clinical testing. Allele origin: germline.
Comment: This variant is classified as likely benign based on ACMG/AMP sequence variant interpretation guidelines (Richards et al. 2015 PMID: 25741868, with internal and published modifications).